The following is an entry in ClinVar:

ClinVar aggregate classification (germline): Conflicting classifications of pathogenicity. Review status: criteria provided, conflicting classifications (1 of 4 stars). 5 submissions from 5 submitters: Uncertain significance (1); Benign (1); Likely benign (3). Last evaluated 2025-10-02.

Conditions:
Dilated cardiomyopathy 1G (CMD1G). Identifiers: Orphanet 154, MedGen C1858763, MONDO:0011400, OMIM 604145.
Autosomal recessive limb-girdle muscular dystrophy type 2J (LGMDR10). Also called: Limb-girdle muscular dystrophy, type 2J; MUSCULAR DYSTROPHY, LIMB-GIRDLE, AUTOSOMAL RECESSIVE 10. Identifiers: Orphanet 140922, MedGen C1837342, MONDO:0012127, OMIM 608807.

Allele frequency attached by ClinVar (database versions not stated): gnomAD 0.00001; gnomAD exomes 0.00001 and 0.00002; TOPMed 0.00001.
gnomAD v4.1: 26 of 1,473,280 alleles (0.0018%); highest among the groups gnomAD compares: Middle Eastern, 0.37%; no homozygotes.

Submissions (5):

Labcorp Genetics (formerly Invitae), Labcorp
Classification: Likely benign for Dilated cardiomyopathy 1G; Autosomal recessive limb-girdle muscular dystrophy type 2J. Last evaluated: 2025-10-02. Review status: criteria provided, single submitter. Criteria: Invitae Variant Classification Sherloc (09022015). Collection method: clinical testing. Allele origin: germline.

Women's Health and Genetics/Laboratory Corporation of America, LabCorp
Classification: Likely benign. Last evaluated: 2025-04-29. Review status: criteria provided, single submitter. Criteria: LabCorp Variant Classification Summary - May 2015. Collection method: clinical testing. Allele origin: germline.

Blueprint Genetics
Classification: Likely benign. Last evaluated: 2024-09-17. Review status: criteria provided, single submitter. Criteria: ACMG Guidelines, 2015. Collection method: clinical testing. Allele origin: germline.

GeneDx
Classification: Benign. Last evaluated: 2016-05-26. Review status: criteria provided, single submitter. Criteria: GeneDx Variant Classification Process June 2021. Collection method: clinical testing. Allele origin: germline. Affected: yes.

Laboratory for Molecular Medicine, Mass General Brigham Personalized Medicine
Classification: Uncertain significance. Last evaluated: 2014-07-17. Review status: criteria provided, single submitter. Criteria: LMM Criteria. Collection method: clinical testing. Allele origin: germline. Observed: 1 variant allele.
Comment: The 33173-7A>G variant in TTN has not been previously reported in individuals wi th cardiomyopathy or in large population studies. This variant is located in the 3' splice region. Computational tools do not suggest an impact to splicing. How ever, this information is not predictive enough to rule pathogenicity. In summar y, the clinical significance of the 33173-7A>G variant is uncertain.

NM_001267550.2(TTN):c.40877-7A>G

Gene: TTN (titin; minus strand). Cytogenetic location: 2q31.2.
Variant type: single nucleotide variant.
Coding change: c.40877-7A>G on transcript NM_001267550.2 (MANE Select); 7 bases into the intron before coding-DNA position 40877, A replaced by G.
Molecular consequence: intron variant.
Genome position (GRCh38, 1-based): chr2:178,637,426, T>C on the plus strand (A>G on the coding strand, the complement: TTN is on the minus strand). VCF-style: chr2-178637426-T-C. GRCh37 (hg19) VCF-style: chr2-179502153-T-C.
Other names: c.13682-7A>G (NM_003319.4); c.14258-7A>G (NM_133437.4); c.14057-7A>G (NM_133432.3); c.33173-7A>G (NM_133378.4); c.35954-7A>G (NM_001256850.1).
Identifiers: ClinVar variation 179893 (VCV000179893.25), dbSNP rs727505201, ClinGen allele CA185368.